The following is an entry in ClinVar:

NM_000038.6(APC):c.3698del (p.Pro1233fs)

Gene: APC (APC regulator of Wnt signaling pathway; plus strand). Cytogenetic location: 5q22.2.
Variant type: Deletion.
Coding change: c.3698del on transcript NM_000038.6 (MANE Select); coding-DNA position 3698, one base deleted (C; older notation c.3698delC).
Protein change: p.Pro1233fs; shifts the reading frame from proline 1233.
Molecular consequence: frameshift variant.
Genome position (GRCh38, 1-based): chr5:112,839,292, C deleted; the last of 2 consecutive C bases (chr5:112,839,291-112,839,292); deleting either gives the same sequence. VCF-style (leftmost placement, unchanged base first): chr5-112839290-TC-T. GRCh37 (hg19) VCF-style: chr5-112174987-TC-T.
Other names: c.3449delC, p.Pro1150Glnfs (NM_001407456.1, NM_001407457.1, NM_001407454.1 and 1 more transcripts); c.3698del, p.Pro1233fs (NM_001127510.3, NM_001354895.2); c.3644del, p.Pro1215fs (NM_001127511.3); c.3752del, p.Pro1251fs (NM_001354896.2); c.3782delC, p.Pro1261Glnfs (NM_001407446.1); c.3752delC, p.Pro1251Glnfs (NM_001407447.1, NM_001407448.1, NM_001407449.1); c.3698delC, p.Pro1233Glnfs (NM_001407450.1); c.3677delC, p.Pro1226Glnfs (NM_001407451.1); and 16 more; short protein forms P1132fs, P1192fs, P1205fs, P1208fs, P1107fs, P1233fs, P1073fs, P1142fs.
Identifiers: ClinVar variation 1734010 (VCV001734010.2), dbSNP rs2533517428, ClinGen allele CA2580072969.
Genomic context (GRCh38, chr5:112,839,290, plus strand): 5'-TTCAAGCAGTGAGAATACGTCCACACCTTCATCTAATGCCAAGAGGCAGAATCAGCTCCA[TC>T]CAAGTTCTGCACAGAGTAGAAGTGGTCAGCCTCAAAAGGCTGCCACTTGCAAAGTTTCTT-3'

ClinVar aggregate classification (germline): Pathogenic (1 of 4 stars; one submission).

Conditions:
Hereditary cancer-predisposing syndrome. Also called: Neoplastic Syndromes, Hereditary; Tumor predisposition; Hereditary Cancer Syndrome; Hereditary neoplastic syndrome. Identifiers: Orphanet 140162, MedGen C0027672, MeSH D009386, MONDO:0015356.

Submission:

Ambry Genetics
Classification: Pathogenic for Hereditary cancer-predisposing syndrome. Last evaluated: 2021-06-24. Review status: criteria provided, single submitter. Criteria: Ambry Variant Classification Scheme 2023. Collection method: clinical testing. Allele origin: germline.
Comment: The c.3698delC pathogenic mutation, located in coding exon 15 of the APC gene, results from a deletion of one nucleotide at nucleotide position 3698, causing a translational frameshift with a predicted alternate stop codon (p.P1233Qfs*32). This alteration occurs at the 3' terminus of theAPC gene, is not expected to trigger nonsense-mediated mRNA decay, and impacts the last 1233 amino acids of the protein. However, premature stop codons are typically deleterious in nature and the impacted region is critical for protein function (Ambry internal data). Based on the supporting evidence, this alteration is interpreted as a disease-causing mutation.